The following is an entry in ClinVar:

ClinVar aggregate classification (germline): Uncertain significance (1 of 4 stars; one submission).

Submission:

GeneDx
Classification: Uncertain significance. Last evaluated: 2025-06-11. Review status: criteria provided, single submitter. Criteria: GeneDx Variant Classification Process June 2021. Collection method: clinical testing. Allele origin: germline. Affected: yes.
Comment: Not observed at significant frequency in large population cohorts (gnomAD); In silico analysis supports that this missense variant has a deleterious effect on protein structure/function; Has not been previously published as pathogenic or benign to our knowledge

NM_001033044.4(GLUL):c.896G>T (p.Arg299Leu)

Gene: GLUL (glutamate-ammonia ligase; minus strand). Cytogenetic location: 1q25.3.
Variant type: single nucleotide variant.
Coding change: c.896G>T on transcript NM_001033044.4 (MANE Select); coding-DNA position 896, G replaced by T.
Protein change: p.Arg299Leu; replaces arginine 299 with leucine.
Molecular consequence: missense variant.
Genome position (GRCh38, 1-based): chr1:182,384,631, C>A on the plus strand (G>T on the coding strand, the complement: GLUL is on the minus strand). VCF-style: chr1-182384631-C-A. GRCh37 (hg19) VCF-style: chr1-182353766-C-A.
Other names: c.896G>T, p.Arg299Leu (NM_001033056.4, NM_002065.7); short protein forms R299L.
Identifiers: ClinVar variation 4538684 (VCV004538684.1).